The following is an entry in ClinVar:

ClinVar aggregate classification (germline): Conflicting classifications of pathogenicity. Review status: criteria provided, conflicting classifications (1 of 4 stars). 3 submissions from 3 submitters: Uncertain significance (2); Likely benign (1). Last evaluated 2024-07-30.

Conditions:
Inborn genetic diseases. Identifiers: MedGen C0950123, MeSH D030342.
Focal segmental glomerulosclerosis 5 (FSGS5). Identifiers: Orphanet 656, MedGen C2750475, MONDO:0013191, OMIM 613237.
Charcot-Marie-Tooth disease dominant intermediate E. Also called: CHARCOT-MARIE-TOOTH NEUROPATHY WITH FOCAL SEGMENTAL GLOMERULONEPHRITIS. Identifiers: Orphanet 93114, MedGen C4302667, MONDO:0013758, OMIM 614455.

gnomAD v4.1: 24 of 1,588,300 alleles (0.0015%); highest among the groups gnomAD compares: African/African-American, 0.0041%; no homozygotes.

Submissions (3):

Labcorp Genetics (formerly Invitae), Labcorp
Classification: Likely benign for Charcot-Marie-Tooth disease dominant intermediate E; Focal segmental glomerulosclerosis 5. Last evaluated: 2024-07-30. Review status: criteria provided, single submitter. Criteria: Invitae Variant Classification Sherloc (09022015). Collection method: clinical testing. Allele origin: germline.

Fulgent Genetics
Classification: Uncertain significance for Focal segmental glomerulosclerosis 5; Charcot-Marie-Tooth disease dominant intermediate E. Last evaluated: 2024-05-31. Review status: criteria provided, single submitter. Criteria: ACMG Guidelines, 2015. Collection method: clinical testing. Allele origin: germline.

Ambry Genetics
Classification: Uncertain significance for Inborn genetic diseases. Last evaluated: 2020-11-06. Review status: criteria provided, single submitter. Criteria: Ambry Variant Classification Scheme 2023. Collection method: clinical testing. Allele origin: germline.
Comment: The p.R1225G variant (also known as c.3673C>G), located in coding exon 20 of the INF2 gene, results from a C to G substitution at nucleotide position 3673. The arginine at codon 1225 is replaced by glycine, an amino acid with dissimilar properties. This amino acid position is highly conserved in available vertebrate species. In addition, the in silico prediction for this alteration is inconclusive. Since supporting evidence is limited at this time, the clinical significance of this alteration remains unclear.

NM_022489.4(INF2):c.3673C>G (p.Arg1225Gly)

Gene: INF2 (inverted formin 2; plus strand). Cytogenetic location: 14q32.33.
Variant type: single nucleotide variant.
Coding change: c.3673C>G on transcript NM_022489.4 (MANE Select); coding-DNA position 3673, C replaced by G.
Protein change: p.Arg1225Gly; replaces arginine 1225 with glycine.
Molecular consequence: missense variant.
Genome position (GRCh38, 1-based): chr14:104,714,835, C>G. VCF-style: chr14-104714835-C-G. GRCh37 (hg19) VCF-style: chr14-105181172-C-G.
Other names: c.3673C>G, p.Arg1225Gly (NM_001031714.4); short protein forms R1225G.
Identifiers: ClinVar variation 1733811 (VCV001733811.8), dbSNP rs779017318, ClinGen allele CA7373340.
Genomic context (GRCh38, chr14:104,714,835, plus strand): 5'-GGCACACTCCCCAGGGCCCGGGGCCGGGCCTCAAAGGGGACCGGGAAGCGAAGGAAGAAG[C>G]GTCCCTCCAGGAGCCAGGAAGGTAACTCAGGGAGGGGCCCCGGGCACCGTCCCACGCCAG-3'
Protein context (NP_071934.3, residues 1215-1235): SKGTGKRRKK[Arg1225Gly]PSRSQEEVPP